The following is an entry in ClinVar:

ClinVar aggregate classification (germline): Likely benign. Review status: criteria provided, multiple submitters, no conflicts (2 of 4 stars). 3 submissions from 3 submitters: Likely benign (2). 1 of the submissions does not count toward it. Last evaluated 2019-12-31.

Conditions:
MYO1F-related disorder. Also called: MYO1F-related condition.

Allele frequency attached by ClinVar (database versions not stated): gnomAD 0.00003 and 0.00005; gnomAD exomes 0.00003 and 0.00006; TOPMed 0.00006; ExAC 0.00010; 1000 Genomes Project 30x 0.00016.
gnomAD v4.1: 54 of 1,612,718 alleles (0.0033%); highest among the groups gnomAD compares: Middle Eastern, 0.017%; no homozygotes.

Submissions (3):

Labcorp Genetics (formerly Invitae), Labcorp
Classification: Likely benign. Last evaluated: 2019-12-31. Review status: criteria provided, single submitter. Criteria: Invitae Variant Classification Sherloc (09022015). Collection method: clinical testing. Allele origin: germline.

Breakthrough Genomics
Classification: Likely benign. Review status: criteria provided, single submitter. Criteria: ACMG Guidelines, 2015. Collection method: not provided. Allele origin: germline. Inheritance: Unknown mechanism. Affected: yes.

PreventionGenetics, part of Exact Sciences
Classification: Likely benign for MYO1F-related condition. Last evaluated: 2019-05-23. Review status: no assertion criteria provided. Collection method: clinical testing. Allele origin: germline. Not counted in ClinVar's aggregate classification.
Comment: This variant is classified as likely benign based on ACMG/AMP sequence variant interpretation guidelines (Richards et al. 2015 PMID: 25741868, with internal and published modifications).

NM_012335.4(MYO1F):c.1407C>T (p.His469=)

Gene: MYO1F (myosin IF; minus strand). Cytogenetic location: 19p13.2.
Variant type: single nucleotide variant.
Coding change: c.1407C>T on transcript NM_012335.4 (MANE Select); coding-DNA position 1407, C replaced by T.
Protein change: p.His469=; no amino-acid change (histidine 469 retained).
Molecular consequence: synonymous variant.
Genome position (GRCh38, 1-based): chr19:8,544,414, G>A on the plus strand (C>T on the coding strand, the complement: MYO1F is on the minus strand). VCF-style: chr19-8544414-G-A. GRCh37 (hg19) VCF-style: chr19-8609298-G-A.
Other names: c.1395C>T, p.His465= (NM_001348355.2).
Identifiers: ClinVar variation 797760 (VCV000797760.7), dbSNP rs541294738, ClinGen allele CA9159288.